The following is an entry in ClinVar:

ClinVar aggregate classification (germline): Pathogenic (0 of 4 stars; one submission).

Conditions:
MME-related distal hereditary motor neuropathies.

Submission:

Department of Neurology, Qujing First People's Hospital
Classification: Pathogenic for MME-related distal hereditary motor neuropathies. Review status: no assertion criteria provided. Collection method: provider interpretation. Allele origin: inherited. Affected: yes.
Comment: Nerve conduction study: The amplitudes of compound motor action potential were significantly decreased for bilateral median and ulnar nerves, and were not detected for bilateral tibial and peroneal nerves.

NM_007289.4(MME):c.2122A>T (p.Lys708Ter)

Gene: MME (membrane metalloendopeptidase; plus strand). Cytogenetic location: 3q25.2.
Variant type: single nucleotide variant.
Coding change: c.2122A>T on transcript NM_007289.4 (MANE Select); coding-DNA position 2122, A replaced by T.
Protein change: p.Lys708Ter; replaces lysine 708 with a stop codon.
Molecular consequence: nonsense.
Genome position (GRCh38, 1-based): chr3:155,172,581, A>T. VCF-style: chr3-155172581-A-T. GRCh37 (hg19) VCF-style: chr3-154890370-A-T.
Other names: c.2122A>T, p.Lys708Ter (NM_000902.5, NM_001354642.2, NM_001354643.1 and 2 more transcripts); short protein forms K708*.
Identifiers: ClinVar variation 3064216 (VCV003064216.1), dbSNP rs2473178464, ClinGen allele CA355219159.